The following is an entry in ClinVar:

ClinVar aggregate classification (germline): Uncertain significance. Review status: criteria provided, multiple submitters, no conflicts (2 of 4 stars). 2 submissions from 2 submitters: Uncertain significance (2). Last evaluated 2025-11-28.

Conditions:
Hereditary cancer-predisposing syndrome. Also called: Tumor predisposition; Neoplastic Syndromes, Hereditary; Hereditary Cancer Syndrome; Hereditary neoplastic syndrome. Identifiers: Orphanet 140162, MedGen C0027672, MeSH D009386, MONDO:0015356.
Neuroblastoma, susceptibility to, 3. Also called: ALK-Related Neuroblastic Tumor Susceptibility. Identifiers: Orphanet 635, MedGen C2751681, MONDO:0013083, OMIM 613014.

Allele frequency attached by ClinVar (database versions not stated): TOPMed below 0.00001.

Submissions (2):

Ambry Genetics
Classification: Uncertain significance for Hereditary cancer-predisposing syndrome. Last evaluated: 2025-11-28. Review status: criteria provided, single submitter. Criteria: Ambry Variant Classification Scheme 2023. Collection method: clinical testing. Allele origin: germline.
Comment: The p.H1030Q variant (also known as c.3090C>A), located in coding exon 19 of the ALK gene, results from a C to A substitution at nucleotide position 3090. The histidine at codon 1030 is replaced by glutamine, an amino acid with highly similar properties. This amino acid position is conserved. In addition, this alteration is predicted to be tolerated by in silico analysis. Since supporting evidence is limited at this time, the clinical significance of this alteration remains unclear.

Labcorp Genetics (formerly Invitae), Labcorp
Classification: Uncertain significance for Neuroblastoma, susceptibility to, 3. Last evaluated: 2025-09-22. Review status: criteria provided, single submitter. Criteria: Invitae Variant Classification Sherloc (09022015). Collection method: clinical testing. Allele origin: germline.
Comment: This sequence change replaces histidine, which is basic and polar, with glutamine, which is neutral and polar, at codon 1030 of the ALK protein (p.His1030Gln). This variant is not present in population databases (gnomAD no frequency). This variant has not been reported in the literature in individuals affected with ALK-related conditions. ClinVar contains an entry for this variant (Variation ID: 1059173). An algorithm developed to predict the effect of missense changes on protein structure and function (PolyPhen-2) suggests that this variant is likely to be tolerated. In summary, the available evidence is currently insufficient to determine the role of this variant in disease. Therefore, it has been classified as a Variant of Uncertain Significance.

NM_004304.5(ALK):c.3090C>A (p.His1030Gln)

Gene: ALK (ALK receptor tyrosine kinase; minus strand). Cytogenetic location: 2p23.2.
Variant type: single nucleotide variant.
Coding change: c.3090C>A on transcript NM_004304.5 (MANE Select); coding-DNA position 3090, C replaced by A.
Protein change: p.His1030Gln; replaces histidine 1030 with glutamine.
Molecular consequence: missense variant.
Genome position (GRCh38, 1-based): chr2:29,225,543, G>T on the plus strand (C>A on the coding strand, the complement: ALK is on the minus strand). VCF-style: chr2-29225543-G-T. GRCh37 (hg19) VCF-style: chr2-29448409-G-T.
Other names: c.3090C>A (NM_004304.4); short protein forms H1030Q.
Identifiers: ClinVar variation 1059173 (VCV001059173.11), dbSNP rs1663946773, ClinGen allele CA346467025.